The following is an entry in ClinVar:

ClinVar aggregate classification (germline): Uncertain significance (1 of 4 stars; one submission).

Conditions:
Fanconi anemia complementation group J. Also called: BRIP1-Related Fanconi Anemia. Identifiers: Orphanet 84, MedGen C1836860, MONDO:0012187, OMIM 609054.
Familial cancer of breast. Also called: BREAST CANCER, FAMILIAL; Hereditary breast cancer; hereditary breast carcinoma. Identifiers: Orphanet 227535, MedGen C0346153, MONDO:0016419, OMIM 114480. Disease mechanism: loss of function.

Submission:

Labcorp Genetics (formerly Invitae), Labcorp
Classification: Uncertain significance for Familial cancer of breast; Fanconi anemia complementation group J. Last evaluated: 2023-02-24. Review status: criteria provided, single submitter. Criteria: Invitae Variant Classification Sherloc (09022015). Collection method: clinical testing. Allele origin: germline.
Comment: Algorithms developed to predict the effect of sequence changes on RNA splicing suggest that this variant may create or strengthen a splice site. In summary, the available evidence is currently insufficient to determine the role of this variant in disease. Therefore, it has been classified as a Variant of Uncertain Significance. This variant has not been reported in the literature in individuals affected with BRIP1-related conditions. This variant is not present in population databases (gnomAD no frequency). This sequence change falls in intron 8 of the BRIP1 gene. It does not directly change the encoded amino acid sequence of the BRIP1 protein.

NM_032043.3(BRIP1):c.1141-6T>A

Gene: BRIP1 (BRCA1 interacting DNA helicase 1; minus strand). Cytogenetic location: 17q23.2.
Variant type: single nucleotide variant.
Coding change: c.1141-6T>A on transcript NM_032043.3 (MANE Select); 6 bases into the intron before coding-DNA position 1141, T replaced by A.
Molecular consequence: intron variant.
Genome position (GRCh38, 1-based): chr17:61,799,305, A>T on the plus strand (T>A on the coding strand, the complement: BRIP1 is on the minus strand). VCF-style: chr17-61799305-A-T. GRCh37 (hg19) VCF-style: chr17-59876666-A-T.
Identifiers: ClinVar variation 2944662 (VCV002944662.3), dbSNP rs876661277, ClinGen allele CA2733648671.
Genomic context (GRCh38, chr17:61,799,305, plus strand): 5'-CGATGTTATGAGCTTCATCTAAAATGACAACCTGTTCTTTCAGATTTAAATCCATCTATA[A>T]GATAAAAGAATTTTCTTGTAAAACATTTGGCAAAATAGATTTAACAACAGCAGGCAAGAT-3'